The following is an entry in ClinVar:

NM_139319.3(SLC17A8):c.173C>T (p.Ser58Phe)

Gene: SLC17A8 (solute carrier family 17 member 8; plus strand). Cytogenetic location: 12q23.1.
Variant type: single nucleotide variant.
Coding change: c.173C>T on transcript NM_139319.3 (MANE Select); coding-DNA position 173, C replaced by T.
Protein change: p.Ser58Phe; replaces serine 58 with phenylalanine.
Molecular consequence: missense variant.
Genome position (GRCh38, 1-based): chr12:100,380,772, C>T. VCF-style: chr12-100380772-C-T. GRCh37 (hg19) VCF-style: chr12-100774550-C-T.
Other names: c.173C>T (NM_139319.2); c.173C>T, p.Ser58Phe (NM_001145288.2); short protein forms S58F.
Identifiers: ClinVar variation 2966214 (VCV002966214.5), dbSNP rs768006090, ClinGen allele CA6738684.
Genomic context (GRCh38, chr12:100,380,772, plus strand): 5'-GGACAACTGAGGAAGAAGATAACATTGAGCTGAATGAAGAAGGAAGGCCGGTGCAGACGT[C>T]CAGGCCAAGCCCCCCACTCTGCGACTGCCACTGCTGCGGCCTCCCCAAGCGTTACATCAT-3'
Protein context (NP_647480.1, residues 48-68): LNEEGRPVQT[Ser58Phe]RPSPPLCDCH

ClinVar aggregate classification (germline): Uncertain significance. Review status: criteria provided, multiple submitters, no conflicts (2 of 4 stars). 3 submissions from 3 submitters: Uncertain significance (3). Last evaluated 2025-12-09.

Conditions:
SLC17A8-related disorder. Also called: SLC17A8-related condition.
Inborn genetic diseases. Identifiers: MedGen C0950123, MeSH D030342.

Allele frequency attached by ClinVar (database versions not stated): gnomAD exomes below 0.00001; ExAC 0.00002; TOPMed 0.00002.

Submissions (3):

Ambry Genetics
Classification: Uncertain significance for Inborn genetic diseases. Last evaluated: 2025-12-09. Review status: criteria provided, single submitter. Criteria: Ambry Variant Classification Scheme 2023. Collection method: clinical testing. Allele origin: germline.

Labcorp Genetics (formerly Invitae), Labcorp
Classification: Uncertain significance. Last evaluated: 2025-03-17. Review status: criteria provided, single submitter. Criteria: Invitae Variant Classification Sherloc (09022015). Collection method: clinical testing. Allele origin: germline.
Comment: This sequence change replaces serine, which is neutral and polar, with phenylalanine, which is neutral and non-polar, at codon 58 of the SLC17A8 protein (p.Ser58Phe). This variant is present in population databases (rs768006090, gnomAD 0.01%). This variant has not been reported in the literature in individuals affected with SLC17A8-related conditions. ClinVar contains an entry for this variant (Variation ID: 2966214). An algorithm developed to predict the effect of missense changes on protein structure and function (PolyPhen-2) suggests that this variant is likely to be tolerated. In summary, the available evidence is currently insufficient to determine the role of this variant in disease. Therefore, it has been classified as a Variant of Uncertain Significance.

PreventionGenetics, part of Exact Sciences
Classification: Uncertain significance for SLC17A8-related condition. Last evaluated: 2024-10-30. Review status: criteria provided, single submitter. Criteria: ACMG Guidelines, 2015. Collection method: clinical testing. Allele origin: germline.
Comment: The SLC17A8 c.173C>T variant is predicted to result in the amino acid substitution p.Ser58Phe. To our knowledge, this variant has not been reported in the literature. This variant is reported in 0.0054% of alleles in individuals of East Asian descent in gnomAD. At this time, the clinical significance of this variant is uncertain due to the absence of conclusive functional and genetic evidence.